The following is an entry in ClinVar:

NM_004706.4(ARHGEF1):c.144C>A (p.Ser48Arg)

Gene: ARHGEF1 (Rho guanine nucleotide exchange factor 1; plus strand). Cytogenetic location: 19q13.2.
Variant type: single nucleotide variant.
Coding change: c.144C>A on transcript NM_004706.4 (MANE Select); coding-DNA position 144, C replaced by A.
Protein change: p.Ser48Arg; replaces serine 48 with arginine.
Molecular consequence: missense variant.
Genome position (GRCh38, 1-based): chr19:41,888,784, C>A. VCF-style: chr19-41888784-C-A. GRCh37 (hg19) VCF-style: chr19-42392855-C-A.
Other names: c.144C>A, p.Ser48Arg (NM_198977.2); c.189C>A, p.Ser63Arg (NM_199002.2); short protein forms S63R, S48R.
Identifiers: ClinVar variation 1442306 (VCV001442306.6), dbSNP rs2123376456, ClinGen allele CA406043983.
Genomic context (GRCh38, chr19:41,888,784, plus strand): 5'-TTGTACTCACCCCTTCCTGCACCCCCAGAACTCAGAAGAGCAAAACAGCCAGTTCCAGAG[C>A]CTGGAGCAGGTGAAGCGGCGCCCAGCCCACCTCATGGCCCTCCTGCAGCACGTGGCCCTG-3'
Protein context (NP_004697.2, residues 38-58): NSEEQNSQFQ[Ser48Arg]LEQVKRRPAH

ClinVar aggregate classification (germline): Uncertain significance (1 of 4 stars; one submission).

Submission:

Labcorp Genetics (formerly Invitae), Labcorp
Classification: Uncertain significance. Last evaluated: 2021-10-12. Review status: criteria provided, single submitter. Criteria: Invitae Variant Classification Sherloc (09022015). Collection method: clinical testing. Allele origin: germline.
Comment: This sequence change replaces serine with arginine at codon 63 of the ARHGEF1 protein (p.Ser63Arg). The serine residue is moderately conserved and there is a moderate physicochemical difference between serine and arginine. This variant is not present in population databases (ExAC no frequency). In summary, the available evidence is currently insufficient to determine the role of this variant in disease. Therefore, it has been classified as a Variant of Uncertain Significance. Algorithms developed to predict the effect of missense changes on protein structure and function are either unavailable or do not agree on the potential impact of this missense change (SIFT: "Deleterious"; PolyPhen-2: "Benign"; Align-GVGD: "Class C0"). This variant has not been reported in the literature in individuals affected with ARHGEF1-related conditions.